The following is an entry in ClinVar:

ClinVar aggregate classification (germline): Conflicting classifications of pathogenicity. Review status: criteria provided, conflicting classifications (1 of 4 stars). 2 submissions from 2 submitters: Uncertain significance (1); Likely benign (1). Last evaluated 2023-10-20.

Conditions:
Inborn genetic diseases. Identifiers: MedGen C0950123, MeSH D030342.

Allele frequency attached by ClinVar (database versions not stated): gnomAD exomes below 0.00001; TOPMed below 0.00001; gnomAD 0.00001.
gnomAD v4.1: 3 of 1,613,976 alleles (0.00019%); highest among the groups gnomAD compares: Admixed American, 0.0017%; no homozygotes.

Submissions (2):

Ambry Genetics
Classification: Likely benign for Inborn genetic diseases. Last evaluated: 2023-10-20. Review status: criteria provided, single submitter. Criteria: Ambry Variant Classification Scheme 2023. Collection method: clinical testing. Allele origin: germline.

Labcorp Genetics (formerly Invitae), Labcorp
Classification: Uncertain significance. Last evaluated: 2022-04-29. Review status: criteria provided, single submitter. Criteria: Invitae Variant Classification Sherloc (09022015). Collection method: clinical testing. Allele origin: germline.
Comment: In summary, the available evidence is currently insufficient to determine the role of this variant in disease. Therefore, it has been classified as a Variant of Uncertain Significance. Algorithms developed to predict the effect of sequence changes on RNA splicing suggest that this variant is not likely to affect RNA splicing. This variant has not been reported in the literature in individuals affected with ADAMTS18-related conditions. This variant is not present in population databases (gnomAD no frequency). This sequence change affects codon 487 of the ADAMTS18 mRNA. It is a 'silent' change, meaning that it does not change the encoded amino acid sequence of the ADAMTS18 protein. It affects a nucleotide within the consensus splice site.

NM_199355.4(ADAMTS18):c.1461C>T (p.Ser487=)

Gene: ADAMTS18 (ADAM metallopeptidase with thrombospondin type 1 motif 18; minus strand). Cytogenetic location: 16q23.1.
Variant type: single nucleotide variant.
Coding change: c.1461C>T on transcript NM_199355.4 (MANE Select); coding-DNA position 1461, C replaced by T.
Protein change: p.Ser487=; no amino-acid change (serine 487 retained).
Molecular consequence: synonymous variant.
Genome position (GRCh38, 1-based): chr16:77,353,886, G>A on the plus strand (C>T on the coding strand, the complement: ADAMTS18 is on the minus strand). VCF-style: chr16-77353886-G-A. GRCh37 (hg19) VCF-style: chr16-77387783-G-A.
Other names: c.1461C>T (NM_199355.2); c.945C>T, p.Ser315= (NM_001326358.2).
Identifiers: ClinVar variation 1953502 (VCV001953502.6), dbSNP rs1451891780, ClinGen allele CA496593024.